The following is an entry in ClinVar:

ClinVar aggregate classification (germline): Uncertain significance. Review status: criteria provided, multiple submitters, no conflicts (2 of 4 stars). 2 submissions from 2 submitters: Uncertain significance (2). Last evaluated 2026-06-02.

Allele frequency attached by ClinVar (database versions not stated): gnomAD 0.00001.
gnomAD v4.1: 29 of 1,613,936 alleles (0.0018%); highest among the groups gnomAD compares: East Asian, 0.0022%; no homozygotes.

Submissions (2):

Women's Health and Genetics/Laboratory Corporation of America, LabCorp
Classification: Uncertain significance. Last evaluated: 2026-06-02. Review status: criteria provided, single submitter. Criteria: LabCorp Variant Classification Summary - May 2015. Collection method: clinical testing. Allele origin: germline.
Comment: Variant summary: HPS1 c.304G>A (p.Glu102Lys) results in a conservative amino acid change in the encoded protein sequence. Algorithms developed to predict the effect of missense changes on protein structure and function are either unavailable or do not agree on the potential impact of this missense change. The variant allele was found at a frequency of 3.2e-05 in 251396 control chromosomes. The available data on variant occurrences in the general population are insufficient to allow any conclusion about variant significance. To our knowledge, no occurrence of c.304G>A in individuals affected with HPS1-related conditions and no experimental evidence demonstrating its impact on protein function have been reported. ClinVar contains an entry for this variant (Variation ID: 2140920). Based on the evidence outlined above, the variant was classified as uncertain significance.

Labcorp Genetics (formerly Invitae), Labcorp
Classification: Uncertain significance. Last evaluated: 2024-12-03. Review status: criteria provided, single submitter. Criteria: Invitae Variant Classification Sherloc (09022015). Collection method: clinical testing. Allele origin: germline.
Comment: This sequence change replaces glutamic acid, which is acidic and polar, with lysine, which is basic and polar, at codon 102 of the HPS1 protein (p.Glu102Lys). This variant is present in population databases (rs778117442, gnomAD 0.006%). This variant has not been reported in the literature in individuals affected with HPS1-related conditions. ClinVar contains an entry for this variant (Variation ID: 2140920). Invitae Evidence Modeling of protein sequence and biophysical properties (such as structural, functional, and spatial information, amino acid conservation, physicochemical variation, residue mobility, and thermodynamic stability) indicates that this missense variant is not expected to disrupt HPS1 protein function with a negative predictive value of 95%. In summary, the available evidence is currently insufficient to determine the role of this variant in disease. Therefore, it has been classified as a Variant of Uncertain Significance.

NM_000195.5(HPS1):c.304G>A (p.Glu102Lys)

Gene: HPS1 (HPS1 biogenesis of lysosomal organelles complex 3 subunit 1; minus strand). Cytogenetic location: 10q24.2.
Variant type: single nucleotide variant.
Coding change: c.304G>A on transcript NM_000195.5 (MANE Select); coding-DNA position 304, G replaced by A.
Protein change: p.Glu102Lys; replaces glutamic acid 102 with lysine.
Molecular consequence: missense variant. On other transcripts: 5 prime UTR variant (2), intron variant (7).
Genome position (GRCh38, 1-based): chr10:98,435,366, C>T on the plus strand (G>A on the coding strand, the complement: HPS1 is on the minus strand). VCF-style: chr10-98435366-C-T. GRCh37 (hg19) VCF-style: chr10-100195123-C-T.
Other names: c.-613G>A (NM_001311345.2); c.304G>A, p.Glu102Lys (NM_001322476.2, NM_001322477.2, NM_001322478.2 and 5 more transcripts); c.-712G>A (NM_001322487.2); c.29+269G>A (NM_001322483.2, NM_001322485.2, NM_001322484.2); c.255+269G>A (NM_001322480.2, NM_001322482.2, NM_001322481.2); c.-519+269G>A (NM_001322489.2); short protein forms E102K.
Identifiers: ClinVar variation 2140920 (VCV002140920.3), dbSNP rs778117442, ClinGen allele CA5639439.
Genomic context (GRCh38, chr10:98,435,366, plus strand): 5'-GCCCAAAGTGCACTTCAAACAGGTACTTGAGCACATACAGCTTCCGCCGCAGGTCCCCCT[C>T]GCTCTCGGTGTGGTCACCATTGATGGCAATGAACAGGCATTCTCCAAACTGCAGGCACAG-3'
Protein context (NP_000186.2, residues 92-112): IAINGDHTES[Glu102Lys]GDLRRKLYVL